The following is an entry in ClinVar:

NM_002485.5(NBN):c.267A>C (p.Arg89=)

Gene: NBN (nibrin; minus strand). Cytogenetic location: 8q21.3.
Variant type: single nucleotide variant.
Coding change: c.267A>C on transcript NM_002485.5 (MANE Select); coding-DNA position 267, A replaced by C.
Protein change: p.Arg89=; no amino-acid change (arginine 89 retained).
Molecular consequence: synonymous variant.
Genome position (GRCh38, 1-based): chr8:89,981,428, T>G on the plus strand (A>C on the coding strand, the complement: NBN is on the minus strand). VCF-style: chr8-89981428-T-G. GRCh37 (hg19) VCF-style: chr8-90993656-T-G.
Other names: c.21A>C, p.Arg7= (NM_001024688.3); c.267A>C (NM_002485.4).
Identifiers: ClinVar variation 1092104 (VCV001092104.11), dbSNP rs1554568316, ClinGen allele CA461831458.

ClinVar aggregate classification (germline): Likely benign. Review status: criteria provided, multiple submitters, no conflicts (2 of 4 stars). 3 submissions from 3 submitters: Likely benign (2). 1 of the submissions does not count toward it. Last evaluated 2025-12-04.

Conditions:
Hereditary cancer-predisposing syndrome. Also called: Tumor predisposition; Neoplastic Syndromes, Hereditary; Hereditary Cancer Syndrome; Hereditary neoplastic syndrome. Identifiers: Orphanet 140162, MedGen C0027672, MeSH D009386, MONDO:0015356.
NBN-related disorder. Also called: NBN-related condition.
Microcephaly, normal intelligence and immunodeficiency (NBS). Also called: Microcephaly with normal intelligence immunodeficiency and lymphoreticular malignancies; Nonsyndromal microcephaly autosomal recessive with normal intelligence; Seemanova syndrome 2; Immunodeficiency, microcephaly with normal intelligence; Ataxia telangiectasia variant V1; IMMUNODEFICIENCY, MICROCEPHALY, AND CHROMOSOMAL INSTABILITY. Identifiers: Orphanet 647, MedGen C0398791, MONDO:0009623, OMIM 251260.

Submissions (3):

Ambry Genetics
Classification: Likely benign for Hereditary cancer-predisposing syndrome. Last evaluated: 2025-12-04. Review status: criteria provided, single submitter. Criteria: Ambry Variant Classification Scheme 2023. Collection method: clinical testing. Allele origin: germline.

Labcorp Genetics (formerly Invitae), Labcorp
Classification: Likely benign for Microcephaly, normal intelligence and immunodeficiency. Last evaluated: 2023-07-10. Review status: criteria provided, single submitter. Criteria: Invitae Variant Classification Sherloc (09022015). Collection method: clinical testing. Allele origin: germline.

PreventionGenetics, part of Exact Sciences
Classification: Likely benign for NBN-related condition. Last evaluated: 2019-05-17. Review status: no assertion criteria provided. Collection method: clinical testing. Allele origin: germline. Not counted in ClinVar's aggregate classification.
Comment: This variant is classified as likely benign based on ACMG/AMP sequence variant interpretation guidelines (Richards et al. 2015 PMID: 25741868, with internal and published modifications).